The following is an entry in ClinVar:

ClinVar aggregate classification (germline): Likely benign. Review status: criteria provided, multiple submitters, no conflicts (2 of 4 stars). 2 submissions from 2 submitters: Likely benign (2). Last evaluated 2025-10-01.

Conditions:
Perlman syndrome (PRLMNS). Identifiers: Orphanet 2849, MedGen C0796113, MONDO:0009965, OMIM 267000.

Allele frequency attached by ClinVar (database versions not stated): gnomAD 0.00001 and 0.00004; gnomAD exomes 0.00004; TOPMed 0.00004; ExAC 0.00006; 1000 Genomes Project 30x 0.00047; 1000 Genomes Project 0.00060.
gnomAD v4.1: 24 of 1,613,636 alleles (0.0015%); highest among the groups gnomAD compares: African/African-American, 0.017%; no homozygotes.

Submissions (2):

CeGaT Center for Human Genetics Tuebingen
Classification: Likely benign. Last evaluated: 2025-10-01. Review status: criteria provided, single submitter. Criteria: CeGaT Center For Human Genetics Tuebingen Variant Classification Criteria Version 2. Collection method: clinical testing. Allele origin: germline. Affected: yes. Observed: 1 variant allele.
Comment: DIS3L2: BP4, BP7

Labcorp Genetics (formerly Invitae), Labcorp
Classification: Likely benign for Perlman syndrome. Last evaluated: 2025-06-11. Review status: criteria provided, single submitter. Criteria: Invitae Variant Classification Sherloc (09022015). Collection method: clinical testing. Allele origin: germline.

NM_152383.5(DIS3L2):c.408G>A (p.Ala136=)

Gene: DIS3L2 (DIS3 like 3'-5' exoribonuclease 2; plus strand). Cytogenetic location: 2q37.1.
Variant type: single nucleotide variant.
Coding change: c.408G>A on transcript NM_152383.5 (MANE Select); coding-DNA position 408, G replaced by A.
Protein change: p.Ala136=; no amino-acid change (alanine 136 retained).
Molecular consequence: synonymous variant. On other transcripts: non-coding transcript variant (2).
Genome position (GRCh38, 1-based): chr2:232,087,528, G>A. VCF-style: chr2-232087528-G-A. GRCh37 (hg19) VCF-style: chr2-232952238-G-A.
Other names: c.408G>A, p.Ala136= (NM_001257281.2, NM_001257282.2).
Identifiers: ClinVar variation 463118 (VCV000463118.18), dbSNP rs149344471, ClinGen allele CA2163822.